The following is an entry in ClinVar:

ClinVar aggregate classification (germline): Likely benign. Review status: criteria provided, multiple submitters, no conflicts (2 of 4 stars). 4 submissions from 4 submitters: Likely benign (4). Last evaluated 2026-02-01.

Conditions:
Cardiovascular phenotype. Identifiers: MedGen CN230736.
Dilated cardiomyopathy 1O (CMD1O). Also called: CARDIOMYOPATHY, DILATED, WITH VENTRICULAR TACHYCARDIA. Identifiers: Orphanet 154, MedGen C1837839, MONDO:0012062, OMIM 608569.

Allele frequency attached by ClinVar (database versions not stated): gnomAD exomes below 0.00001 and 0.00001; ExAC 0.00001; gnomAD 0.00001; TOPMed 0.00001; ESP Exome Variant Server 0.00008.
gnomAD v4.1: 25 of 1,614,054 alleles (0.0015%); highest among the groups gnomAD compares: African/African-American, 0.021%; no homozygotes.

Submissions (4):

CeGaT Center for Human Genetics Tuebingen
Classification: Likely benign. Last evaluated: 2026-02-01. Review status: criteria provided, single submitter. Criteria: CeGaT Center For Human Genetics Tuebingen Variant Classification Criteria Version 2. Collection method: clinical testing. Allele origin: germline. Affected: yes. Observed: 2 variant alleles.
Comment: ABCC9: BP4, BP7

Labcorp Genetics (formerly Invitae), Labcorp
Classification: Likely benign for Dilated cardiomyopathy 1O. Last evaluated: 2025-09-03. Review status: criteria provided, single submitter. Criteria: Invitae Variant Classification Sherloc (09022015). Collection method: clinical testing. Allele origin: germline.

Blueprint Genetics
Classification: Likely benign. Last evaluated: 2024-03-07. Review status: criteria provided, single submitter. Criteria: ACMG Guidelines, 2015. Collection method: clinical testing. Allele origin: germline.

Ambry Genetics
Classification: Likely benign for Cardiovascular phenotype. Last evaluated: 2023-02-13. Review status: criteria provided, single submitter. Criteria: Ambry Variant Classification Scheme 2023. Collection method: clinical testing. Allele origin: germline.

NM_020297.4(ABCC9):c.3435C>A (p.Ala1145=)

Gene: ABCC9 (ATP binding cassette subfamily C member 9; minus strand). Cytogenetic location: 12p12.1.
Variant type: single nucleotide variant.
Coding change: c.3435C>A on transcript NM_020297.4 (MANE Select); coding-DNA position 3435, C replaced by A.
Protein change: p.Ala1145=; no amino-acid change (alanine 1145 retained).
Molecular consequence: synonymous variant.
Genome position (GRCh38, 1-based): chr12:21,842,352, G>T on the plus strand (C>A on the coding strand, the complement: ABCC9 is on the minus strand). VCF-style: chr12-21842352-G-T. GRCh37 (hg19) VCF-style: chr12-21995286-G-T.
Other names: c.3435C>A (NM_005691.2); c.3435C>A, p.Ala1145= (NM_001377273.1, NM_005691.4); c.2568C>A, p.Ala856= (NM_001377274.1).
Identifiers: ClinVar variation 1144794 (VCV001144794.15), dbSNP rs373381644, ClinGen allele CA6481114.